The following is an entry in ClinVar:

ClinVar aggregate classification (germline): Uncertain significance (1 of 4 stars; one submission).

Conditions:
Cardiovascular phenotype. Identifiers: MedGen CN230736.

Submission:

Ambry Genetics
Classification: Uncertain significance for Cardiovascular phenotype. Last evaluated: 2024-03-31. Review status: criteria provided, single submitter. Criteria: Ambry Variant Classification Scheme 2023. Collection method: clinical testing. Allele origin: germline.
Comment: The p.I219L variant (also known as c.655A>T) is located in coding exon 5 of the TBX20 gene. The isoleucine at codon 219 is replaced by leucine, an amino acid with highly similar properties. This change occurs in the first base pair of coding exon 5. This amino acid position is conserved. In addition, the in silico prediction for this alteration is inconclusive. Based on the available evidence, the clinical significance of this alteration remains unclear.

NM_001077653.2(TBX20):c.655A>T (p.Ile219Leu)

Gene: TBX20 (T-box transcription factor 20; minus strand). Cytogenetic location: 7p14.2.
Variant type: single nucleotide variant.
Coding change: c.655A>T on transcript NM_001077653.2 (MANE Select); coding-DNA position 655, A replaced by T.
Protein change: p.Ile219Leu; replaces isoleucine 219 with leucine.
Molecular consequence: missense variant.
Genome position (GRCh38, 1-based): chr7:35,241,037, T>A on the plus strand (A>T on the coding strand, the complement: TBX20 is on the minus strand). VCF-style: chr7-35241037-T-A. GRCh37 (hg19) VCF-style: chr7-35280649-T-A.
Other names: c.655A>T, p.Ile219Leu (NM_001166220.1); short protein forms I219L.
Identifiers: ClinVar variation 3324860 (VCV003324860.1).